The following is an entry in ClinVar:

NM_006766.5(KAT6A):c.3227A>C (p.Glu1076Ala)

Gene: KAT6A (lysine acetyltransferase 6A; minus strand). Cytogenetic location: 8p11.21.
Variant type: single nucleotide variant.
Coding change: c.3227A>C on transcript NM_006766.5 (MANE Select); coding-DNA position 3227, A replaced by C.
Protein change: p.Glu1076Ala; replaces glutamic acid 1076 with alanine.
Molecular consequence: missense variant.
Genome position (GRCh38, 1-based): chr8:41,937,381, T>G on the plus strand (A>C on the coding strand, the complement: KAT6A is on the minus strand). VCF-style: chr8-41937381-T-G. GRCh37 (hg19) VCF-style: chr8-41794899-T-G.
Other names: short protein forms E1076A.
Identifiers: ClinVar variation 3647721 (VCV003647721.2).

ClinVar aggregate classification (germline): Uncertain significance (1 of 4 stars; one submission).

gnomAD v4.1: 1 of 1,614,164 alleles (0.000062%); highest among the groups gnomAD compares: South Asian, 0.0011%; no homozygotes.

Submission:

Labcorp Genetics (formerly Invitae), Labcorp
Classification: Uncertain significance. Last evaluated: 2024-03-26. Review status: criteria provided, single submitter. Criteria: Invitae Variant Classification Sherloc (09022015). Collection method: clinical testing. Allele origin: germline.
Comment: This sequence change replaces glutamic acid, which is acidic and polar, with alanine, which is neutral and non-polar, at codon 1076 of the KAT6A protein (p.Glu1076Ala). This variant is not present in population databases (gnomAD no frequency). This variant has not been reported in the literature in individuals affected with KAT6A-related conditions. An algorithm developed to predict the effect of missense changes on protein structure and function (PolyPhen-2) suggests that this variant is likely to be tolerated. In summary, the available evidence is currently insufficient to determine the role of this variant in disease. Therefore, it has been classified as a Variant of Uncertain Significance.